The following is an entry in ClinVar:

ClinVar aggregate classification (germline): Pathogenic (1 of 4 stars; one submission).

Conditions:
Thrombocytopenia 1. Also called: THROMBOCYTOPENIA, X-LINKED, 1; X-linked thrombocytopenia with normal platelets; X-Linked Thrombocytopenia (XLT). Identifiers: Orphanet 268322, Orphanet 852, MedGen C1839163, MONDO:0010743, OMIM 313900.
X-linked severe congenital neutropenia (SCNX). Identifiers: Orphanet 86788, MedGen C1845987, MONDO:0010294, OMIM 300299.
Wiskott-Aldrich syndrome (WAS). Also called: Wiskott-aldrich syndrome, somatic; ALDRICH SYNDROME; IMMUNODEFICIENCY 2; WISKOTT-ALDRICH SYNDROME 1. Identifiers: Orphanet 906, MedGen C0043194, MONDO:0010518, OMIM 301000.

Submission:

Labcorp Genetics (formerly Invitae), Labcorp
Classification: Pathogenic for Wiskott-Aldrich syndrome; X-linked severe congenital neutropenia; Thrombocytopenia 1. Last evaluated: 2020-03-04. Review status: criteria provided, single submitter. Criteria: Invitae Variant Classification Sherloc (09022015). Collection method: clinical testing. Allele origin: germline.
Comment: For these reasons, this variant has been classified as Pathogenic. Loss-of-function variants in WAS are known to be pathogenic (PMID: 15284122). Algorithms developed to predict the effect of sequence changes on RNA splicing suggest that this variant may create or strengthen a splice site, but this prediction has not been confirmed by published transcriptional studies. This variant has not been reported in the literature in individuals with WAS-related conditions. This variant is not present in population databases (ExAC no frequency). This sequence change creates a premature translational stop signal (p.Ile276Metfs*20) in the WAS gene. It is expected to result in an absent or disrupted protein product.

Literature cited by the submitters: PubMed 15284122.

NM_000377.3(WAS):c.827_828insGGGCCTTCTCCAGGGCAGGAAT (p.Ile276fs)

Gene: WAS (WASP actin nucleation promoting factor; plus strand). Cytogenetic location: Xp11.23.
Variant type: Insertion.
Coding change: c.827_828insGGGCCTTCTCCAGGGCAGGAAT on transcript NM_000377.3 (MANE Select); coding-DNA positions 827 to 828, GGGCCTTCTCCAGGGCAGGAAT inserted.
Protein change: p.Ile276fs; shifts the reading frame from isoleucine 276.
Molecular consequence: frameshift variant.
Genome position: GRCh38 VCF-style: chrX-48688332-G-GTTCTCCAGGGCAGGAATGGGCC. GRCh37 (hg19) VCF-style: chrX-48546721-G-GTTCTCCAGGGCAGGAATGGGCC.
Other names: short protein forms I276fs.
Identifiers: ClinVar variation 1074326 (VCV001074326.8), dbSNP rs2147265917, ClinGen allele CA2499226745.